The following is an entry in ClinVar:

ClinVar aggregate classification (germline): Likely pathogenic. Review status: criteria provided, multiple submitters, no conflicts (2 of 4 stars). 2 submissions from 2 submitters: Likely pathogenic (2). Last evaluated 2024-11-11.

Conditions:
Pontocerebellar hypoplasia type 9. Identifiers: Orphanet 369920, MedGen C4014354, MONDO:0014351, OMIM 615809.

Submissions (2):

Diagnostics Services (NGS), CSIR - Centre For Cellular And Molecular Biology
Classification: Likely pathogenic for Pontocerebellar hypoplasia type 9. Last evaluated: 2024-11-11. Review status: criteria provided, single submitter. Criteria: ACMG Guidelines, 2015. Collection method: clinical testing. Allele origin: unknown. Affected: no. Observed: 2 variant alleles, 1 heterozygote.
Comment: The c.252_253insAGTGAGC variant is not present in publicly available population databases like 1000 Genomes, EVS, ExAC, gnomAD, Indian Exome Database or our in-house exome database. This variant has neither been published in literature with AMPD2-related conditions nor reported to the clinical databases like ClinVar, Human Gene Mutation Database (HGMD) or OMIM, in any affected individuals. In-silico pathogenicity prediction programs like SIFT, PolyPhen-2, MutationTaster2, CADD, Varsome, Franklin etc predicted this variant to be likely deleterious. This variant causes frameshift at the 85th position of the wild-type transcript that creates a premature translational stop signal at the altered transcript that may either result in translation of a truncated protein or cause nonsense mediated decay of the mRNA. This variant has been identified in a couple as a part of extended carrier screening.

Revvity Omics, Revvity
Classification: Likely pathogenic. Last evaluated: 2024-10-16. Review status: criteria provided, single submitter. Criteria: ACMG Guidelines, 2015. Collection method: clinical testing. Allele origin: germline.

NM_001368809.2(AMPD2):c.252_253insAGTGAGC (p.Glu85fs)

Gene: AMPD2 (adenosine monophosphate deaminase 2; plus strand). Cytogenetic location: 1p13.3.
Variant type: Insertion.
Coding change: c.252_253insAGTGAGC on transcript NM_001368809.2 (MANE Select); coding-DNA positions 252 to 253, AGTGAGC inserted.
Protein change: p.Glu85fs; shifts the reading frame from glutamic acid 85.
Molecular consequence: frameshift variant.
Genome position: GRCh38 VCF-style: chr1-109625687-A-AGAGCAGT. GRCh37 (hg19) VCF-style: chr1-110168309-A-AGAGCAGT.
Other names: c.60_61insAGTGAGC, p.Glu21fs (NM_001257361.2); c.189_190insAGTGAGC, p.Glu64fs (NM_001308170.1); c.252_253insAGTGAGC, p.Glu85fs (NM_004037.9); c.171_172insAGTGAGC, p.Glu58fs (NM_139156.4); short protein forms E21fs, E58fs, E64fs, E85fs.
Identifiers: ClinVar variation 3383361 (VCV003383361.2).